The following is an entry in ClinVar:

NM_002547.3(OPHN1):c.652A>G (p.Thr218Ala)

Gene: OPHN1 (oligophrenin 1; minus strand). Cytogenetic location: Xq12.
Variant type: single nucleotide variant.
Coding change: c.652A>G on transcript NM_002547.3 (MANE Select); coding-DNA position 652, A replaced by G.
Protein change: p.Thr218Ala; replaces threonine 218 with alanine.
Molecular consequence: missense variant.
Genome position (GRCh38, 1-based): chrX:68,212,158, T>C on the plus strand (A>G on the coding strand, the complement: OPHN1 is on the minus strand). VCF-style: chrX-68212158-T-C. GRCh37 (hg19) VCF-style: chrX-67432000-T-C.
Other names: short protein forms T218A.
Identifiers: ClinVar variation 3899695 (VCV003899695.1).

ClinVar aggregate classification (germline): Uncertain significance (1 of 4 stars; one submission).

Submission:

GeneDx
Classification: Uncertain significance. Last evaluated: 2024-11-18. Review status: criteria provided, single submitter. Criteria: GeneDx Variant Classification Process June 2021. Collection method: clinical testing. Allele origin: germline. Affected: yes.
Comment: Not observed at significant frequency in large population cohorts (gnomAD); In silico analysis indicates that this missense variant does not alter protein structure/function; Has not been previously published as pathogenic or benign to our knowledge